The following is an entry in ClinVar:

ClinVar aggregate classification (germline): Benign/Likely benign. Review status: criteria provided, multiple submitters, no conflicts (2 of 4 stars). 3 submissions from 3 submitters: Benign (1); Likely benign (1). 1 of the submissions does not count toward it. Last evaluated 2026-01-14.

Conditions:
ROBO1-related disorder. Also called: ROBO1-related condition.

Allele frequency attached by ClinVar (database versions not stated): gnomAD exomes 0.00043; ExAC 0.00059; ESP Exome Variant Server 0.00083; gnomAD 0.00132 and 0.00141; TOPMed 0.00162; 1000 Genomes Project 0.00180; 1000 Genomes Project 30x 0.00187.
gnomAD v4.1: 500 of 1,608,828 alleles (0.031%); highest among the groups gnomAD compares: African/African-American, 0.42%; no homozygotes.

Submissions (4):

Labcorp Genetics (formerly Invitae), Labcorp
Classification: Benign. Last evaluated: 2026-01-14. Review status: criteria provided, single submitter. Criteria: Invitae Variant Classification Sherloc (09022015). Collection method: clinical testing. Allele origin: germline.

Breakthrough Genomics
Classification: Likely benign. Review status: criteria provided, single submitter. Criteria: ACMG Guidelines, 2015. Collection method: not provided. Allele origin: germline. Inheritance: Unknown mechanism. Affected: yes.

PreventionGenetics, part of Exact Sciences
Classification: Likely benign for ROBO1-related condition. Last evaluated: 2024-01-31. Review status: no assertion criteria provided. Collection method: clinical testing. Allele origin: germline. Not counted in ClinVar's aggregate classification.
Comment: This variant is classified as likely benign based on ACMG/AMP sequence variant interpretation guidelines (Richards et al. 2015 PMID: 25741868, with internal and published modifications).

Dr. Peter K. Rogan Lab, Western University
No classification provided (evidence only). Condition: Nonpapillary renal cell carcinoma. Review status: no classification provided. Collection method: in vitro. Allele origin: not applicable. Functional consequence: retained intron. Not counted in ClinVar's aggregate classification.

NM_002941.4(ROBO1):c.1233C>T (p.Gly411=)

Gene: ROBO1 (roundabout guidance receptor 1; minus strand). Cytogenetic location: 3p12.3.
Variant type: single nucleotide variant.
Coding change: c.1233C>T on transcript NM_002941.4 (MANE Select); coding-DNA position 1233, C replaced by T.
Protein change: p.Gly411=; no amino-acid change (glycine 411 retained).
Molecular consequence: synonymous variant.
Genome position (GRCh38, 1-based): chr3:78,685,855, G>A on the plus strand (C>T on the coding strand, the complement: ROBO1 is on the minus strand). VCF-style: chr3-78685855-G-A. GRCh37 (hg19) VCF-style: chr3-78735005-G-A.
Other names: c.1125C>T, p.Gly375= (NM_001145845.2, NM_133631.4).
Identifiers: ClinVar variation 791938 (VCV000791938.13), dbSNP rs80267939, ClinGen allele CA2499009.